The following is an entry in ClinVar:

NM_000330.4(RS1):c.160G>A (p.Ala54Thr)

Gene: RS1 (retinoschisin 1; minus strand). Cytogenetic location: Xp22.13.
Variant type: single nucleotide variant.
Coding change: c.160G>A on transcript NM_000330.4 (MANE Select); coding-DNA position 160, G replaced by A.
Protein change: p.Ala54Thr; replaces alanine 54 with threonine.
Molecular consequence: missense variant.
Genome position (GRCh38, 1-based): chrX:18,656,677, C>T on the plus strand (G>A on the coding strand, the complement: RS1 is on the minus strand). VCF-style: chrX-18656677-C-T. GRCh37 (hg19) VCF-style: chrX-18674797-C-T.
Other names: short protein forms A54T.
Identifiers: ClinVar variation 4736771 (VCV004736771.1).
Genomic context (GRCh38, chrX:18,656,677, plus strand): 5'-AATGACTGTTCCATCCCAAGGACAGGGGATACTCACCTGGTATACAGTCCAAGGAGGTGG[C>T]ACCTGCAGACCACAGAGCATTGGGTCCTCCTTGGCAATCGCACTTGCATGCTTTTTGGTA-3'
Protein context (NP_000321.1, residues 44-64): GGPNALWSAG[Ala54Thr]TSLDCIPECP

ClinVar aggregate classification (germline): Uncertain significance (1 of 4 stars; one submission).

Submission:

Labcorp Genetics (formerly Invitae), Labcorp
Classification: Uncertain significance. Last evaluated: 2026-01-26. Review status: criteria provided, single submitter. Criteria: Invitae Variant Classification Sherloc (09022015). Collection method: clinical testing. Allele origin: germline.
Comment: This sequence change replaces alanine, which is neutral and non-polar, with threonine, which is neutral and polar, at codon 54 of the RS1 protein (p.Ala54Thr). This variant is present in population databases (rs760716963, gnomAD 0.008%). This variant has not been reported in the literature in individuals affected with RS1-related conditions. Invitae Evidence Modeling of protein sequence and biophysical properties (such as structural, functional, and spatial information, amino acid conservation, physicochemical variation, residue mobility, and thermodynamic stability) indicates that this missense variant is not expected to disrupt RS1 protein function with a negative predictive value of 95%. In summary, the available evidence is currently insufficient to determine the role of this variant in disease. Therefore, it has been classified as a Variant of Uncertain Significance.